The following is an entry in ClinVar:

ClinVar aggregate classification (germline): Benign/Likely benign. Review status: criteria provided, multiple submitters, no conflicts (2 of 4 stars). 3 submissions from 3 submitters: Benign (1); Likely benign (2). Last evaluated 2025-08-12.

Conditions:
Familial melanoma. Also called: Hereditary melanoma; Hereditary cutaneous melanoma. Identifiers: Orphanet 618, MedGen C1512419, MONDO:0018961.
Melanoma-pancreatic cancer syndrome. Identifiers: Orphanet 404560, MedGen C1838547, MONDO:0011713, OMIM 606719. Disease mechanism: loss of function.
Hereditary cancer-predisposing syndrome. Also called: Neoplastic Syndromes, Hereditary; Tumor predisposition; Hereditary Cancer Syndrome; Hereditary neoplastic syndrome. Identifiers: Orphanet 140162, MedGen C0027672, MeSH D009386, MONDO:0015356.

Submissions (3):

Myriad Genetics, Inc.
Classification: Benign for Melanoma-pancreatic cancer syndrome. Last evaluated: 2025-08-12. Review status: criteria provided, single submitter. Criteria: Myriad Autosomal Dominant, Autosomal Recessive and X-Linked Classification Criteria (2023). Collection method: clinical testing. Allele origin: unknown.
Comment: This variant is considered benign. This variant is a silent/synonymous amino acid change and it is not expected to impact splicing.

Ambry Genetics
Classification: Likely benign for Hereditary cancer-predisposing syndrome. Last evaluated: 2020-06-03. Review status: criteria provided, single submitter. Criteria: Ambry Variant Classification Scheme 2023. Collection method: clinical testing. Allele origin: germline.

Labcorp Genetics (formerly Invitae), Labcorp
Classification: Likely benign for Familial melanoma. Last evaluated: 2020-01-14. Review status: criteria provided, single submitter. Criteria: Invitae Variant Classification Sherloc (09022015). Collection method: clinical testing. Allele origin: germline.

NM_058195.4(CDKN2A):c.84G>A (p.Pro28=)

Gene: CDKN2A (cyclin dependent kinase inhibitor 2A; minus strand). Cytogenetic location: 9p21.3.
Variant type: single nucleotide variant.
Coding change: c.84G>A on transcript NM_058195.4 (MANE Plus Clinical); coding-DNA position 84, G replaced by A.
Protein change: p.Pro28=; no amino-acid change (proline 28 retained).
Molecular consequence: synonymous variant. On other transcripts: intron variant (1).
Genome position (GRCh38, 1-based): chr9:21,994,248, C>T on the plus strand (G>A on the coding strand, the complement: CDKN2A is on the minus strand). VCF-style: chr9-21994248-C-T. GRCh37 (hg19) VCF-style: chr9-21994247-C-T.
Other names: c.-4+573G>A (NM_001363763.2).
Identifiers: ClinVar variation 1104292 (VCV001104292.8), dbSNP rs751027808, ClinGen allele CA464100333.
Genomic context (GRCh38, chr9:21,994,248, plus strand): 5'-CATCAGCACGAGGGCCACAGCGGCGGGCGCCCCTGGCGCTGCCCACTCCCCCGTGAGCCG[C>T]GGGATGTGAACCACGAAAACCCTCACTCGCGGCGGGCCGCACGCGCGCCGAATCCGGAGG-3'
Protein context (NP_478102.2, residues 18-38): PRVRVFVVHI[Pro28=]RLTGEWAAPG